The following is an entry in ClinVar:

NM_001134407.3(GRIN2A):c.2793del (p.Met932fs)

Gene: GRIN2A (glutamate ionotropic receptor NMDA type subunit 2A; minus strand). Cytogenetic location: 16p13.2.
Variant type: Deletion.
Coding change: c.2793del on transcript NM_001134407.3 (MANE Select); coding-DNA position 2793, one base deleted (C; older notation c.2793delC).
Protein change: p.Met932fs; shifts the reading frame from methionine 932.
Molecular consequence: frameshift variant.
Genome position (GRCh38, 1-based): chr16:9,764,751, G deleted on the plus strand (C on the coding strand, the reverse complement: GRIN2A is on the minus strand). VCF-style (leftmost placement, unchanged base first): chr16-9764750-TG-T. GRCh37 (hg19) VCF-style: chr16-9858607-TG-T.
Other names: c.2793del, p.Met932fs (NM_000833.5, NM_001134408.2); short protein forms M932fs.
Identifiers: ClinVar variation 664368 (VCV000664368.9), dbSNP rs1596377439, ClinGen allele CA915949118.

ClinVar aggregate classification (germline): Pathogenic (1 of 4 stars; one submission).

Conditions:
Landau-Kleffner syndrome (FESD). Also called: EPILEPSY, FOCAL, WITH SPEECH DISORDER AND WITH OR WITHOUT MENTAL RETARDATION; APHASIA, ACQUIRED, WITH EPILEPSY. Identifiers: Orphanet 1945, Orphanet 725, Orphanet 98818, MedGen C0282512, MONDO:0009509, OMIM 245570.

Submission:

Labcorp Genetics (formerly Invitae), Labcorp
Classification: Pathogenic for Landau-Kleffner syndrome. Last evaluated: 2022-10-28. Review status: criteria provided, single submitter. Criteria: Invitae Variant Classification Sherloc (09022015). Collection method: clinical testing. Allele origin: germline.
Comment: This variant is not present in population databases (gnomAD no frequency). This sequence change creates a premature translational stop signal (p.Met932Trpfs*10) in the GRIN2A gene. While this is not anticipated to result in nonsense mediated decay, it is expected to disrupt the last 533 amino acid(s) of the GRIN2A protein. This variant has not been reported in the literature in individuals affected with GRIN2A-related conditions. ClinVar contains an entry for this variant (Variation ID: 664368). This variant disrupts a region of the GRIN2A protein in which other variant(s) (p.Trp1271*) have been determined to be pathogenic (PMID: 29961510). This suggests that this is a clinically significant region of the protein, and that variants that disrupt it are likely to be disease-causing. For these reasons, this variant has been classified as Pathogenic.

Literature cited by the submitters: PubMed 29961510.